The following is an entry in ClinVar:

ClinVar aggregate classification (germline): Uncertain significance. Review status: criteria provided, multiple submitters, no conflicts (2 of 4 stars). 2 submissions from 2 submitters: Uncertain significance (2). Last evaluated 2025-06-08.

Conditions:
Kabuki syndrome. Also called: NIIKAWA-KUROKI SYNDROME; Kabuki make-up syndrome. Identifiers: Orphanet 2322, MedGen C0796004, MONDO:0016512.
Inborn genetic diseases. Identifiers: MedGen C0950123, MeSH D030342.

Submissions (2):

Labcorp Genetics (formerly Invitae), Labcorp
Classification: Uncertain significance for Kabuki syndrome. Last evaluated: 2025-06-08. Review status: criteria provided, single submitter. Criteria: Invitae Variant Classification Sherloc (09022015). Collection method: clinical testing. Allele origin: germline.
Comment: This sequence change replaces threonine, which is neutral and polar, with isoleucine, which is neutral and non-polar, at codon 3166 of the KMT2D protein (p.Thr3166Ile). This variant is not present in population databases (gnomAD no frequency). This variant has not been reported in the literature in individuals affected with KMT2D-related conditions. ClinVar contains an entry for this variant (Variation ID: 3535531). Invitae Evidence Modeling of protein sequence and biophysical properties (such as structural, functional, and spatial information, amino acid conservation, physicochemical variation, residue mobility, and thermodynamic stability) indicates that this missense variant is not expected to disrupt KMT2D protein function with a negative predictive value of 95%. In summary, the available evidence is currently insufficient to determine the role of this variant in disease. Therefore, it has been classified as a Variant of Uncertain Significance.

Ambry Genetics
Classification: Uncertain significance for Inborn genetic diseases. Last evaluated: 2024-10-29. Review status: criteria provided, single submitter. Criteria: Ambry Variant Classification Scheme 2023. Collection method: clinical testing. Allele origin: germline.

NM_003482.4(KMT2D):c.9497C>T (p.Thr3166Ile)

Gene: KMT2D (lysine methyltransferase 2D; minus strand). Cytogenetic location: 12q13.12.
Variant type: single nucleotide variant.
Coding change: c.9497C>T on transcript NM_003482.4 (MANE Select); coding-DNA position 9497, C replaced by T.
Protein change: p.Thr3166Ile; replaces threonine 3166 with isoleucine.
Molecular consequence: missense variant.
Genome position (GRCh38, 1-based): chr12:49,037,859, G>A on the plus strand (C>T on the coding strand, the complement: KMT2D is on the minus strand). VCF-style: chr12-49037859-G-A. GRCh37 (hg19) VCF-style: chr12-49431642-G-A.
Other names: short protein forms T3166I.
Identifiers: ClinVar variation 3535531 (VCV003535531.2).
Genomic context (GRCh38, chr12:49,037,859, plus strand): 5'-CCAAAGGAGGCCTTCTCAGCTGTGTGCCCACTGCTAGAAAATGGCCCTGTGCCCATCCGG[G>A]TATCCCGGCTGCCCATCATGCTCTGTCCTGGCTTTAGCCCCAGGCCAAGGGAATTGGCAG-3'
Protein context (NP_003473.3, residues 3156-3176): PGQSMMGSRD[Thr3166Ile]RMGTGPFSSS